The following is an entry in ClinVar:

NM_000535.7(PMS2):c.2446-18A>G

Gene: PMS2 (PMS1 homolog 2, mismatch repair system component; minus strand). Cytogenetic location: 7p22.1.
Variant type: single nucleotide variant.
Coding change: c.2446-18A>G on transcript NM_000535.7 (MANE Select); 18 bases into the intron before coding-DNA position 2446, A replaced by G.
Molecular consequence: intron variant.
Genome position (GRCh38, 1-based): chr7:5,973,560, T>C on the plus strand (A>G on the coding strand, the complement: PMS2 is on the minus strand). VCF-style: chr7-5973560-T-C. GRCh37 (hg19) VCF-style: chr7-6013191-T-C.
Other names: c.2128-18A>G (NM_001322008.2, NM_001322007.2); c.1885-18A>G (NM_001322010.2); c.2041-18A>G (NM_001322004.2, NM_001322003.2, NM_001322005.2); c.1873-18A>G (NM_001322013.2); c.1513-18A>G (NM_001322012.2, NM_001322011.2); c.2137-18A>G (NM_001322015.2); c.2290-18A>G (NM_001322006.2); c.2479-18A>G (NM_001322014.2); and 1 more.
Identifiers: ClinVar variation 385733 (VCV000385733.9), dbSNP rs1057522313, ClinGen allele CA16605335.

ClinVar aggregate classification (germline): Likely benign. Review status: criteria provided, multiple submitters, no conflicts (2 of 4 stars). 3 submissions from 3 submitters: Likely benign (3). Last evaluated 2026-01-02.

Conditions:
Lynch syndrome 4 (LYNCH4). Also called: Colorectal cancer, hereditary nonpolyposis, type 4; Hereditary non-polyposis colorectal cancer, type 4. Identifiers: Orphanet 144, MedGen C1838333, MONDO:0013699, OMIM 614337. Disease mechanism: loss of function.
Hereditary nonpolyposis colorectal neoplasms. Identifiers: MedGen C0009405, MeSH D003123.

Allele frequency attached by ClinVar (database versions not stated): gnomAD exomes 0.00001.

Submissions (3):

Labcorp Genetics (formerly Invitae), Labcorp
Classification: Likely benign for Hereditary nonpolyposis colorectal neoplasms. Last evaluated: 2026-01-02. Review status: criteria provided, single submitter. Criteria: Invitae Variant Classification Sherloc (09022015). Collection method: clinical testing. Allele origin: germline.

Myriad Genetics, Inc.
Classification: Likely benign for Lynch syndrome 4. Last evaluated: 2025-02-04. Review status: criteria provided, single submitter. Criteria: Myriad Autosomal Dominant, Autosomal Recessive and X-Linked Classification Criteria (2023). Collection method: clinical testing. Allele origin: unknown.
Comment: This variant is considered likely benign. This variant is intronic and is not expected to impact mRNA splicing.

GeneDx
Classification: Likely benign. Last evaluated: 2017-07-24. Review status: criteria provided, single submitter. Criteria: GeneDx Variant Classification (06012015). Collection method: clinical testing. Allele origin: germline. Affected: yes.
Comment: This variant is considered likely benign or benign based on one or more of the following criteria: it is a conservative change, it occurs at a poorly conserved position in the protein, it is predicted to be benign by multiple in silico algorithms, and/or has population frequency not consistent with disease.